The following is an entry in ClinVar:

NM_001232.4(CASQ2):c.979T>C (p.Phe327Leu)

Gene: CASQ2 (calsequestrin 2; minus strand). Cytogenetic location: 1p13.1.
Variant type: single nucleotide variant.
Coding change: c.979T>C on transcript NM_001232.4 (MANE Select); coding-DNA position 979, T replaced by C.
Protein change: p.Phe327Leu; replaces phenylalanine 327 with leucine.
Molecular consequence: missense variant.
Genome position (GRCh38, 1-based): chr1:115,702,956, A>G on the plus strand (T>C on the coding strand, the complement: CASQ2 is on the minus strand). VCF-style: chr1-115702956-A-G. GRCh37 (hg19) VCF-style: chr1-116245577-A-G.
Other names: short protein forms F327L.
Identifiers: ClinVar variation 1488299 (VCV001488299.9), dbSNP rs976749091, ClinGen allele CA29607846.

ClinVar aggregate classification (germline): Uncertain significance. Review status: criteria provided, multiple submitters, no conflicts (2 of 4 stars). 3 submissions from 3 submitters: Uncertain significance (3). Last evaluated 2025-11-12.

Conditions:
Cardiovascular phenotype. Identifiers: MedGen CN230736.
Catecholaminergic polymorphic ventricular tachycardia 2. Also called: VENTRICULAR TACHYCARDIA, STRESS-INDUCED POLYMORPHIC 2; CASQ2-Related Catecholaminergic Polymorphic Ventricular Tachycardia. Identifiers: Orphanet 3286, MedGen C2677794, MONDO:0012762, OMIM 611938.
Catecholaminergic polymorphic ventricular tachycardia 1. Also called: VENTRICULAR TACHYCARDIA, CATECHOLAMINERGIC POLYMORPHIC, 1, WITH OR WITHOUT ATRIAL DYSFUNCTION AND/OR DILATED CARDIOMYOPATHY; VENTRICULAR TACHYCARDIA, STRESS-INDUCED POLYMORPHIC 1; RYR2-Related Catecholaminergic Polymorphic Ventricular Tachycardia. Identifiers: Orphanet 3286, MedGen C1631597, MONDO:0011484, OMIM 604772.

Allele frequency attached by ClinVar (database versions not stated): gnomAD exomes below 0.00001 and 0.00001; gnomAD 0.00003; TOPMed 0.00003.

Submissions (3):

Labcorp Genetics (formerly Invitae), Labcorp
Classification: Uncertain significance for Catecholaminergic polymorphic ventricular tachycardia 1. Last evaluated: 2025-11-12. Review status: criteria provided, single submitter. Criteria: Invitae Variant Classification Sherloc (09022015). Collection method: clinical testing. Allele origin: germline.
Comment: This sequence change replaces phenylalanine, which is neutral and non-polar, with leucine, which is neutral and non-polar, at codon 327 of the CASQ2 protein (p.Phe327Leu). This variant is present in population databases (no rsID available, gnomAD 0.004%). This variant has not been reported in the literature in individuals affected with CASQ2-related conditions. ClinVar contains an entry for this variant (Variation ID: 1488299). Invitae Evidence Modeling of protein sequence and biophysical properties (such as structural, functional, and spatial information, amino acid conservation, physicochemical variation, residue mobility, and thermodynamic stability) has been performed for this missense variant. However, the output from this modeling did not meet the statistical confidence thresholds required to predict the impact of this variant on CASQ2 protein function. In summary, the available evidence is currently insufficient to determine the role of this variant in disease. Therefore, it has been classified as a Variant of Uncertain Significance.

Genome-Nilou Lab
Classification: Uncertain significance for Catecholaminergic polymorphic ventricular tachycardia 2. Last evaluated: 2023-04-11. Review status: criteria provided, single submitter. Criteria: ACMG Guidelines, 2015. Collection method: clinical testing. Allele origin: germline. Affected: no.

Ambry Genetics
Classification: Uncertain significance for Cardiovascular phenotype. Last evaluated: 2021-10-12. Review status: criteria provided, single submitter. Criteria: Ambry Variant Classification Scheme 2023. Collection method: clinical testing. Allele origin: germline.
Comment: The p.F327L variant (also known as c.979T>C), located in coding exon 10 of the CASQ2 gene, results from a T to C substitution at nucleotide position 979. The phenylalanine at codon 327 is replaced by leucine, an amino acid with highly similar properties. This amino acid position is highly conserved in available vertebrate species. In addition, the in silico prediction by BayesDel for this alteration is tolerated. Since supporting evidence is limited at this time, the clinical significance of this alteration remains unclear.